The following is an entry in ClinVar:

NM_032609.3(COX4I2):c.28G>A (p.Val10Met)

Gene: COX4I2 (cytochrome c oxidase subunit 4I2; plus strand). Cytogenetic location: 20q11.21.
Variant type: single nucleotide variant.
Coding change: c.28G>A on transcript NM_032609.3 (MANE Select); coding-DNA position 28, G replaced by A.
Protein change: p.Val10Met; replaces valine 10 with methionine.
Molecular consequence: missense variant.
Genome position (GRCh38, 1-based): chr20:31,639,045, G>A. VCF-style: chr20-31639045-G-A. GRCh37 (hg19) VCF-style: chr20-30226848-G-A.
Other names: c.28G>A (NM_032609.2); short protein forms V10M.
Identifiers: ClinVar variation 2154681 (VCV002154681.7), dbSNP rs199601484, ClinGen allele CA9801841.

ClinVar aggregate classification (germline): Uncertain significance. Review status: criteria provided, multiple submitters, no conflicts (2 of 4 stars). 2 submissions from 2 submitters: Uncertain significance (2). Last evaluated 2021-12-07.

Conditions:
Pancreatic insufficiency-anemia-hyperostosis syndrome. Identifiers: Orphanet 199337, MedGen C2675184, MONDO:0012992, OMIM 612714.

Allele frequency attached by ClinVar (database versions not stated): TOPMed 0.00003; gnomAD 0.00005; ESP Exome Variant Server 0.00015; 1000 Genomes Project 30x 0.00016; 1000 Genomes Project 0.00020.
gnomAD v4.1: 48 of 1,612,550 alleles (0.003%); highest among the groups gnomAD compares: African/African-American, 0.044%; 1 homozygote.

Submissions (2):

Labcorp Genetics (formerly Invitae), Labcorp
Classification: Uncertain significance. Last evaluated: 2021-12-07. Review status: criteria provided, single submitter. Criteria: Invitae Variant Classification Sherloc (09022015). Collection method: clinical testing. Allele origin: germline.
Comment: This sequence change replaces valine, which is neutral and non-polar, with methionine, which is neutral and non-polar, at codon 10 of the COX4I2 protein (p.Val10Met). This variant is present in population databases (rs199601484, gnomAD 0.01%). This variant has not been reported in the literature in individuals affected with COX4I2-related conditions. Algorithms developed to predict the effect of missense changes on protein structure and function output the following: SIFT: "Tolerated"; PolyPhen-2: "Benign"; Align-GVGD: "Class C0". The methionine amino acid residue is found in multiple mammalian species, which suggests that this missense change does not adversely affect protein function. In summary, the available evidence is currently insufficient to determine the role of this variant in disease. Therefore, it has been classified as a Variant of Uncertain Significance.

Revvity Omics, Revvity
Classification: Uncertain significance for Pancreatic insufficiency-anemia-hyperostosis syndrome. Last evaluated: 2020-03-19. Review status: criteria provided, single submitter. Criteria: ACMG Guidelines, 2015. Collection method: clinical testing. Allele origin: germline.